The following is an entry in ClinVar:

ClinVar aggregate classification (germline): Likely benign (1 of 4 stars; one submission).

Allele frequency attached by ClinVar (database versions not stated): gnomAD 0.00003; 1000 Genomes Project 30x 0.00031; TOPMed below 0.00001; gnomAD exomes 0.00001; ExAC 0.00002; 1000 Genomes Project 0.00040.
gnomAD v4.1: 34 of 1,609,760 alleles (0.0021%); highest among the groups gnomAD compares: African/African-American, 0.031%; no homozygotes.

Submission:

CeGaT Center for Human Genetics Tuebingen
Classification: Likely benign. Last evaluated: 2024-11-01. Review status: criteria provided, single submitter. Criteria: CeGaT Center For Human Genetics Tuebingen Variant Classification Criteria Version 2. Collection method: clinical testing. Allele origin: germline. Affected: yes. Observed: 2 variant alleles.
Comment: CDH10: BP4, BP7

NM_006727.5(CDH10):c.1875G>A (p.Leu625=)

Gene: CDH10 (cadherin 10; minus strand). Cytogenetic location: 5p14.2.
Variant type: single nucleotide variant.
Coding change: c.1875G>A on transcript NM_006727.5 (MANE Select); coding-DNA position 1875, G replaced by A.
Protein change: p.Leu625=; no amino-acid change (leucine 625 retained).
Molecular consequence: synonymous variant. On other transcripts: intron variant (1).
Genome position (GRCh38, 1-based): chr5:24,491,577, C>T on the plus strand (G>A on the coding strand, the complement: CDH10 is on the minus strand). VCF-style: chr5-24491577-C-T. GRCh37 (hg19) VCF-style: chr5-24491686-C-T.
Other names: c.93G>A, p.Leu31= (NM_001317222.2); c.1875G>A, p.Leu625= (NM_001317224.2); c.1516-3424G>A (NM_001362460.1).
Identifiers: ClinVar variation 2655375 (VCV002655375.24), dbSNP rs184571175, ClinGen allele CA3215408.